The following is an entry in ClinVar:

ClinVar aggregate classification (germline): Uncertain significance (1 of 4 stars; one submission).

Conditions:
Mitochondrial trifunctional protein deficiency. Identifiers: Orphanet 746, MedGen C1969443, MONDO:0012172.

Submission:

Labcorp Genetics (formerly Invitae), Labcorp
Classification: Uncertain significance for Mitochondrial trifunctional protein deficiency. Last evaluated: 2021-08-28. Review status: criteria provided, single submitter. Criteria: Invitae Variant Classification Sherloc (09022015). Collection method: clinical testing. Allele origin: germline.
Comment: This sequence change replaces glycine with aspartic acid at codon 330 of the HADHB protein (p.Gly330Asp). The glycine residue is highly conserved and there is a moderate physicochemical difference between glycine and aspartic acid. This variant is not present in population databases (ExAC no frequency). This variant has not been reported in the literature in individuals affected with HADHB-related conditions. Algorithms developed to predict the effect of missense changes on protein structure and function (SIFT, PolyPhen-2, Align-GVGD) all suggest that this variant is likely to be disruptive. In summary, the available evidence is currently insufficient to determine the role of this variant in disease. Therefore, it has been classified as a Variant of Uncertain Significance.

NM_000183.3(HADHB):c.989G>A (p.Gly330Asp)

Gene: HADHB (hydroxyacyl-CoA dehydrogenase trifunctional multienzyme complex subunit beta; plus strand). Cytogenetic location: 2p23.3.
Variant type: single nucleotide variant.
Coding change: c.989G>A on transcript NM_000183.3 (MANE Select); coding-DNA position 989, G replaced by A.
Protein change: p.Gly330Asp; replaces glycine 330 with aspartic acid.
Molecular consequence: missense variant.
Genome position (GRCh38, 1-based): chr2:26,282,900, G>A. VCF-style: chr2-26282900-G-A. GRCh37 (hg19) VCF-style: chr2-26505768-G-A.
Other names: c.944G>A, p.Gly315Asp (NM_001281512.2); c.923G>A, p.Gly308Asp (NM_001281513.2); short protein forms G308D, G315D, G330D.
Identifiers: ClinVar variation 1507673 (VCV001507673.5), dbSNP rs1349682003, ClinGen allele CA346094637.